The following is an entry in ClinVar:

ClinVar aggregate classification (germline): Likely benign (1 of 4 stars; one submission).

Allele frequency attached by ClinVar (database versions not stated): TOPMed 0.00001; gnomAD exomes 0.00002; gnomAD 0.00002.
gnomAD v4.1: 10 of 1,609,594 alleles (0.00062%); highest among the groups gnomAD compares: Admixed American, 0.012%; no homozygotes.

Submission:

GeneDx
Classification: Likely benign. Last evaluated: 2016-03-24. Review status: criteria provided, single submitter. Criteria: GeneDx Variant Classification (06012015). Collection method: clinical testing. Allele origin: germline. Affected: yes.
Comment: This variant is considered likely benign or benign based on one or more of the following criteria: it is a conservative change, it occurs at a poorly conserved position in the protein, it is predicted to be benign by multiple in silico algorithms, and/or has population frequency not consistent with disease.

NM_139242.4(MTFMT):c.721+11G>A

Gene: MTFMT (mitochondrial methionyl-tRNA formyltransferase; minus strand). Cytogenetic location: 15q22.31.
Variant type: single nucleotide variant.
Coding change: c.721+11G>A on transcript NM_139242.4 (MANE Select); 11 bases into the intron after coding-DNA position 721, G replaced by A.
Molecular consequence: intron variant.
Genome position (GRCh38, 1-based): chr15:65,020,186, C>T on the plus strand (G>A on the coding strand, the complement: MTFMT is on the minus strand). VCF-style: chr15-65020186-C-T. GRCh37 (hg19) VCF-style: chr15-65312524-C-T.
Identifiers: ClinVar variation 384250 (VCV000384250.1), dbSNP rs1057521903, ClinGen allele CA16606992.
Genomic context (GRCh38, chr15:65,020,186, plus strand): 5'-CAGAATGTTCAGATGCTATCGTGACAAGCAGAACCTTTAGAAAGATGAGAGTCTCTGCAG[C>T]CTTCACTCACCGTAAGTCGCCCCCTCCATTGGCTGCTGCCTTCCATTGCTCAGACTTTCA-3'